The following is an entry in ClinVar:

ClinVar aggregate classification (germline): Uncertain significance. Review status: criteria provided, multiple submitters, no conflicts (2 of 4 stars). 2 submissions from 2 submitters: Uncertain significance (2). Last evaluated 2025-02-06.

Conditions:
Inborn genetic diseases. Identifiers: MedGen C0950123, MeSH D030342.

Allele frequency attached by ClinVar (database versions not stated): gnomAD exomes 0.00001; TOPMed below 0.00001; gnomAD 0.00001.

Submissions (2):

Labcorp Genetics (formerly Invitae), Labcorp
Classification: Uncertain significance. Last evaluated: 2025-02-06. Review status: criteria provided, single submitter. Criteria: Invitae Variant Classification Sherloc (09022015). Collection method: clinical testing. Allele origin: germline.
Comment: This sequence change replaces methionine, which is neutral and non-polar, with valine, which is neutral and non-polar, at codon 1652 of the VCAN protein (p.Met1652Val). This variant is present in population databases (no rsID available, gnomAD 0.003%). This variant has not been reported in the literature in individuals affected with VCAN-related conditions. ClinVar contains an entry for this variant (Variation ID: 2466013). An algorithm developed to predict the effect of missense changes on protein structure and function outputs the following: PolyPhen-2: "Benign". The valine amino acid residue is found in multiple mammalian species, which suggests that this missense change does not adversely affect protein function. In summary, the available evidence is currently insufficient to determine the role of this variant in disease. Therefore, it has been classified as a Variant of Uncertain Significance.

Ambry Genetics
Classification: Uncertain significance for Inborn genetic diseases. Last evaluated: 2023-02-15. Review status: criteria provided, single submitter. Criteria: Ambry Variant Classification Scheme 2023. Collection method: clinical testing. Allele origin: germline.

NM_004385.5(VCAN):c.4954A>G (p.Met1652Val)

Genes: VCAN (versican; plus strand), VCAN-AS1 (VCAN antisense RNA 1; minus strand). Cytogenetic location: 5q14.3.
Variant type: single nucleotide variant.
Coding change: c.4954A>G on transcript NM_004385.5 (MANE Select); coding-DNA position 4954, A replaced by G.
Protein change: p.Met1652Val; replaces methionine 1652 with valine.
Molecular consequence: missense variant. On other transcripts: intron variant (2).
Genome position (GRCh38, 1-based): chr5:83,537,957, A>G. VCF-style: chr5-83537957-A-G. GRCh37 (hg19) VCF-style: chr5-82833776-A-G.
Other names: c.1993A>G, p.Met665Val (NM_001164097.2); c.4004-7580A>G (NM_001164098.2); c.1043-7580A>G (NM_001126336.3); short protein forms M665V, M1652V.
Identifiers: ClinVar variation 2466013 (VCV002466013.4), dbSNP rs1299404522, ClinGen allele CA360309356.